The following is an entry in ClinVar:

ClinVar aggregate classification (germline): Likely pathogenic (1 of 4 stars; one submission).

Conditions:
IBA57-related disorder. Also called: IBA57-related condition.

Submission:

PreventionGenetics, part of Exact Sciences
Classification: Likely pathogenic for IBA57-related condition. Last evaluated: 2026-09-12. Review status: criteria provided, single submitter. Criteria: ACMG Guidelines, 2015. Collection method: clinical testing. Allele origin: germline.
Comment: The IBA57 c.216delG variant is predicted to result in a frameshift and premature protein termination (p.Gly72Glyfs*3). To our knowledge, this variant has not been reported in the literature. This variant is reported in 0.0020% of alleles in individuals of European (Non-Finnish) descent in gnomAD. Frameshift variants in IBA57 are expected to be pathogenic. This variant is interpreted as likely pathogenic.

NM_001010867.4(IBA57):c.216del (p.Leu73fs)

Gene: IBA57 (iron-sulfur cluster assembly factor IBA57; plus strand). Cytogenetic location: 1q42.13.
Variant type: Deletion.
Coding change: c.216del on transcript NM_001010867.4 (MANE Select); coding-DNA position 216, one base deleted (G; older notation c.216delG).
Protein change: p.Leu73fs; shifts the reading frame from leucine 73.
Molecular consequence: frameshift variant.
Genome position (GRCh38, 1-based): chr1:228,166,032, G deleted; the last of 3 consecutive G bases (chr1:228,166,030-228,166,032); deleting any one gives the same sequence. VCF-style (leftmost placement, unchanged base first): chr1-228166029-AG-A. GRCh37 (hg19) VCF-style: chr1-228353730-AG-A.
Other names: short protein forms L73fs.
Identifiers: ClinVar variation 4988188 (VCV004988188.1).